The following is an entry in ClinVar:

NM_002337.4(LRPAP1):c.110G>C (p.Arg37Pro)

Genes: LRPAP1 (LDL receptor related protein associated protein 1; minus strand), LOC129992120 (ATAC-STARR-seq lymphoblastoid active region 21225; plus strand). Cytogenetic location: 4p16.3.
Variant type: single nucleotide variant.
Coding change: c.110G>C on transcript NM_002337.4 (MANE Select); coding-DNA position 110, G replaced by C.
Protein change: p.Arg37Pro; replaces arginine 37 with proline.
Molecular consequence: missense variant.
Genome position (GRCh38, 1-based): chr4:3,532,303, C>G on the plus strand (G>C on the coding strand, the complement: LRPAP1 is on the minus strand). VCF-style: chr4-3532303-C-G. GRCh37 (hg19) VCF-style: chr4-3534030-C-G.
Other names: short protein forms R37P.
Identifiers: ClinVar variation 708767 (VCV000708767.7), dbSNP rs148017639, ClinGen allele CA2830161.

ClinVar aggregate classification (germline): Benign. Review status: criteria provided, multiple submitters, no conflicts (2 of 4 stars). 3 submissions from 3 submitters: Benign (2). 1 of the submissions does not count toward it. Last evaluated 2019-12-31.

Conditions:
LRPAP1-related disorder. Also called: LRPAP1-related condition.

Allele frequency attached by ClinVar (database versions not stated): gnomAD exomes 0.00186; ExAC 0.00531; 1000 Genomes Project 30x 0.00781; TOPMed 0.00925; 1000 Genomes Project 0.00819; gnomAD 0.00857 and 0.00794; ESP Exome Variant Server 0.00800.
gnomAD v4.1: 2,380 of 1,574,236 alleles (0.15%); highest among the groups gnomAD compares: African/African-American, 2.9%; 34 homozygotes.

Submissions (3):

Labcorp Genetics (formerly Invitae), Labcorp
Classification: Benign. Last evaluated: 2019-12-31. Review status: criteria provided, single submitter. Criteria: Invitae Variant Classification Sherloc (09022015). Collection method: clinical testing. Allele origin: germline.

Breakthrough Genomics
Classification: Benign. Review status: criteria provided, single submitter. Criteria: ACMG Guidelines, 2015. Collection method: not provided. Allele origin: germline. Inheritance: Autosomal recessive inheritance. Affected: yes.

PreventionGenetics, part of Exact Sciences
Classification: Benign for LRPAP1-related condition. Last evaluated: 2024-01-10. Review status: no assertion criteria provided. Collection method: clinical testing. Allele origin: germline. Not counted in ClinVar's aggregate classification.
Comment: This variant is classified as benign based on ACMG/AMP sequence variant interpretation guidelines (Richards et al. 2015 PMID: 25741868, with internal and published modifications).